The following is an entry in ClinVar:

NM_002880.4(RAF1):c.1182G>A (p.Val394=)

Gene: RAF1 (Raf-1 proto-oncogene, serine/threonine kinase; minus strand). Cytogenetic location: 3p25.2.
Variant type: single nucleotide variant.
Coding change: c.1182G>A on transcript NM_002880.4 (MANE Select); coding-DNA position 1182, G replaced by A.
Protein change: p.Val394=; no amino-acid change (valine 394 retained).
Molecular consequence: synonymous variant. On other transcripts: non-coding transcript variant (3).
Genome position (GRCh38, 1-based): chr3:12,591,719, C>T on the plus strand (G>A on the coding strand, the complement: RAF1 is on the minus strand). VCF-style: chr3-12591719-C-T. GRCh37 (hg19) VCF-style: chr3-12633218-C-T.
Other names: c.1242G>A, p.Val414= (NM_001354689.3); c.1182G>A, p.Val394= (NM_001354690.3); c.939G>A, p.Val313= (NM_001354691.3, NM_001354692.3); c.1083G>A, p.Val361= (NM_001354693.3); c.999G>A, p.Val333= (NM_001354694.3); c.840G>A, p.Val280= (NM_001354695.3).
Identifiers: ClinVar variation 3151180 (VCV003151180.3), dbSNP rs2125347159, ClinGen allele CA432273301.

ClinVar aggregate classification (germline): Conflicting classifications of pathogenicity. Review status: criteria provided, conflicting classifications (1 of 4 stars). 2 submissions from 2 submitters: Uncertain significance (1); Likely benign (1). Last evaluated 2024-11-27.

Conditions:
Cardiovascular phenotype. Identifiers: MedGen CN230736.
RASopathy. Also called: Noonan spectrum disorder; rasopathies. Identifiers: Orphanet 536391, MedGen C5555857, MONDO:0021060.

Submissions (2):

Labcorp Genetics (formerly Invitae), Labcorp
Classification: Likely benign for RASopathy. Last evaluated: 2024-11-27. Review status: criteria provided, single submitter. Criteria: Invitae Variant Classification Sherloc (09022015). Collection method: clinical testing. Allele origin: germline.

Ambry Genetics
Classification: Uncertain significance for Cardiovascular phenotype. Last evaluated: 2021-11-22. Review status: criteria provided, single submitter. Criteria: Ambry Variant Classification Scheme 2023. Collection method: clinical testing. Allele origin: germline.
Comment: The c.1182G>A (p.V394V) alteration is located in exon 11 (coding exon 10) of the RAF1 gene. This alteration consists of a G to A substitution at nucleotide position 1182. This nucleotide substitution does not change the amino acid at codon 394. However, this change occurs in the last nucleotide of Exon 11 (c.1109_1193) which makes it likely to have some effect on normal mRNA splicing. Based on insufficient or conflicting evidence, the clinical significance of this alteration remains unclear.